The following is an entry in ClinVar:

NM_033225.6(CSMD1):c.5930C>T (p.Thr1977Met)

Gene: CSMD1 (CUB and Sushi multiple domains 1; minus strand). Cytogenetic location: 8p23.2.
Variant type: single nucleotide variant.
Coding change: c.5930C>T on transcript NM_033225.6 (MANE Select); coding-DNA position 5930, C replaced by T.
Protein change: p.Thr1977Met; replaces threonine 1977 with methionine.
Molecular consequence: missense variant.
Genome position (GRCh38, 1-based): chr8:3,151,498, G>A on the plus strand (C>T on the coding strand, the complement: CSMD1 is on the minus strand). VCF-style: chr8-3151498-G-A. GRCh37 (hg19) VCF-style: chr8-3009020-G-A.
Other names: short protein forms T1977M.
Identifiers: ClinVar variation 712690 (VCV000712690.6), dbSNP rs201704028, ClinGen allele CA4606688.

ClinVar aggregate classification (germline): Benign. Review status: criteria provided, multiple submitters, no conflicts (2 of 4 stars). 3 submissions from 3 submitters: Benign (3). Last evaluated 2024-11-25.

Conditions:
CSMD1-related disorder. Also called: CSMD1-related condition.

Allele frequency attached by ClinVar (database versions not stated): ESP Exome Variant Server 0.00055; gnomAD 0.00058 and 0.00083; TOPMed 0.00087; gnomAD exomes 0.00145 and 0.00221; 1000 Genomes Project 30x 0.00203; 1000 Genomes Project 0.00240; ExAC 0.00274.
gnomAD v4.1: 2,280 of 1,612,032 alleles (0.14%); highest among the groups gnomAD compares: South Asian, 1.2%; 25 homozygotes.

Submissions (3):

PreventionGenetics, part of Exact Sciences
Classification: Benign for CSMD1-related condition. Last evaluated: 2024-11-25. Review status: criteria provided, single submitter. Criteria: ACMG Guidelines, 2015. Collection method: clinical testing. Allele origin: germline.
Comment: This variant is classified as benign based on ACMG/AMP sequence variant interpretation guidelines (Richards et al. 2015 PMID: 25741868, with internal and published modifications).

Labcorp Genetics (formerly Invitae), Labcorp
Classification: Benign. Last evaluated: 2019-12-31. Review status: criteria provided, single submitter. Criteria: Invitae Variant Classification Sherloc (09022015). Collection method: clinical testing. Allele origin: germline.

Breakthrough Genomics
Classification: Benign. Review status: criteria provided, single submitter. Criteria: ACMG Guidelines, 2015. Collection method: not provided. Allele origin: germline. Inheritance: Unknown mechanism. Affected: yes.